The following is an entry in ClinVar:

ClinVar aggregate classification (germline): Benign/Likely benign. Review status: criteria provided, multiple submitters, no conflicts (2 of 4 stars). 4 submissions from 4 submitters: Benign (2); Likely benign (2). Last evaluated 2026-09-01.

Conditions:
Emery-Dreifuss muscular dystrophy 5, autosomal dominant (EDMD5). Also called: EMERY-DREIFUSS MUSCULAR DYSTROPHY 5. Identifiers: Orphanet 261, MedGen C2751805, MONDO:0013072, OMIM 612999.

Allele frequency attached by ClinVar (database versions not stated): 1000 Genomes Project 30x 0.00297; gnomAD 0.00515 and 0.00534; ESP Exome Variant Server 0.00551; gnomAD exomes 0.00567 and 0.00633; ExAC 0.00572; 1000 Genomes Project 0.00260.
gnomAD v4.1: 9,818 of 1,566,406 alleles (0.63%); highest among the groups gnomAD compares: Admixed American, 0.83%; 41 homozygotes.

Submissions (4):

CeGaT Center for Human Genetics Tuebingen
Classification: Likely benign. Last evaluated: 2026-09-01. Review status: criteria provided, single submitter. Criteria: CeGaT Center For Human Genetics Tuebingen Variant Classification Criteria Version 2. Collection method: clinical testing. Allele origin: germline. Affected: yes. Observed: 10 variant alleles.
Comment: SYNE2: BS2

Labcorp Genetics (formerly Invitae), Labcorp
Classification: Benign for Emery-Dreifuss muscular dystrophy 5, autosomal dominant. Last evaluated: 2026-02-01. Review status: criteria provided, single submitter. Criteria: Invitae Variant Classification Sherloc (09022015). Collection method: clinical testing. Allele origin: germline.

Fulgent Genetics
Classification: Likely benign for Emery-Dreifuss muscular dystrophy 5, autosomal dominant. Last evaluated: 2021-10-19. Review status: criteria provided, single submitter. Criteria: ACMG Guidelines, 2015. Collection method: clinical testing. Allele origin: unknown.

Breakthrough Genomics
Classification: Benign. Review status: criteria provided, single submitter. Criteria: ACMG Guidelines, 2015. Collection method: not provided. Allele origin: germline. Inheritance: Autosomal dominant inheritance. Affected: yes.

NM_182914.3(SYNE2):c.888+17A>G

Gene: SYNE2 (spectrin repeat containing nuclear envelope protein 2; plus strand). Cytogenetic location: 14q23.2.
Variant type: single nucleotide variant.
Coding change: c.888+17A>G on transcript NM_182914.3 (MANE Select); 17 bases into the intron after coding-DNA position 888, A replaced by G.
Molecular consequence: intron variant.
Genome position (GRCh38, 1-based): chr14:63,961,642, A>G. VCF-style: chr14-63961642-A-G. GRCh37 (hg19) VCF-style: chr14-64428360-A-G.
Other names: c.888+17A>G (NM_015180.6).
Identifiers: ClinVar variation 1560213 (VCV001560213.33), dbSNP rs141247973, ClinGen allele CA7219254.